The following is an entry in ClinVar:

NM_001035.3(RYR2):c.8494A>G (p.Thr2832Ala)

Gene: RYR2 (ryanodine receptor 2; plus strand). Cytogenetic location: 1q43.
Variant type: single nucleotide variant.
Coding change: c.8494A>G on transcript NM_001035.3 (MANE Select); coding-DNA position 8494, A replaced by G.
Protein change: p.Thr2832Ala; replaces threonine 2832 with alanine.
Molecular consequence: missense variant.
Genome position (GRCh38, 1-based): chr1:237,666,569, A>G. VCF-style: chr1-237666569-A-G. GRCh37 (hg19) VCF-style: chr1-237829869-A-G.
Other names: short protein forms T2832A.
Identifiers: ClinVar variation 3901815 (VCV003901815.1).

ClinVar aggregate classification (germline): Uncertain significance (1 of 4 stars; one submission).

Submission:

GeneDx
Classification: Uncertain significance. Last evaluated: 2024-12-05. Review status: criteria provided, single submitter. Criteria: GeneDx Variant Classification Process June 2021. Collection method: clinical testing. Allele origin: germline. Affected: yes.
Comment: Not observed at significant frequency in large population cohorts (gnomAD); In silico analysis supports that this missense variant has a deleterious effect on protein structure/function; Has not been previously published as pathogenic or benign to our knowledge; Not located in one of the three hot-spot regions of the RYR2 gene, where the majority of pathogenic missense variants occur (PMID: 19926015); This variant is associated with the following publications: (PMID: 19926015)